The following is an entry in ClinVar:

NM_018012.4(KIF26B):c.6106G>C (p.Glu2036Gln)

Gene: KIF26B (kinesin family member 26B; plus strand). Cytogenetic location: 1q44.
Variant type: single nucleotide variant.
Coding change: c.6106G>C on transcript NM_018012.4 (MANE Select); coding-DNA position 6106, G replaced by C.
Protein change: p.Glu2036Gln; replaces glutamic acid 2036 with glutamine.
Molecular consequence: missense variant.
Genome position (GRCh38, 1-based): chr1:245,698,965, G>C. VCF-style: chr1-245698965-G-C. GRCh37 (hg19) VCF-style: chr1-245862267-G-C.
Other names: short protein forms E2036Q.
Identifiers: ClinVar variation 3898394 (VCV003898394.7).

ClinVar aggregate classification (germline): Uncertain significance (1 of 4 stars; one submission).

gnomAD v4.1: 9 of 1,614,052 alleles (0.00056%); highest among the groups gnomAD compares: Non-Finnish European, 0.00068%; no homozygotes.

Submission:

CeGaT Center for Human Genetics Tuebingen
Classification: Uncertain significance. Last evaluated: 2025-04-01. Review status: criteria provided, single submitter. Criteria: CeGaT Center For Human Genetics Tuebingen Variant Classification Criteria Version 2. Collection method: clinical testing. Allele origin: germline. Affected: yes. Observed: 1 variant allele.
Comment: KIF26B: PM2